The following is an entry in ClinVar:

NM_002585.4(PBX1):c.192A>G (p.Arg64=)

Gene: PBX1 (PBX homeobox 1; plus strand). Cytogenetic location: 1q23.3.
Variant type: single nucleotide variant.
Coding change: c.192A>G on transcript NM_002585.4 (MANE Select); coding-DNA position 192, A replaced by G.
Protein change: p.Arg64=; no amino-acid change (arginine 64 retained).
Molecular consequence: synonymous variant. On other transcripts: intron variant (1).
Genome position (GRCh38, 1-based): chr1:164,563,238, A>G. VCF-style: chr1-164563238-A-G. GRCh37 (hg19) VCF-style: chr1-164532475-A-G.
Other names: c.192A>G, p.Arg64= (NM_001204961.2, NM_001204963.2, NM_001353131.2); c.16+3225A>G (NM_001353130.1).
Identifiers: ClinVar variation 2355071 (VCV002355071.26), dbSNP rs148071998, ClinGen allele CA1219319.

ClinVar aggregate classification (germline): Likely benign. Review status: criteria provided, multiple submitters, no conflicts (2 of 4 stars). 3 submissions from 3 submitters: Likely benign (3). Last evaluated 2025-09-13.

Conditions:
Inborn genetic diseases. Identifiers: MedGen C0950123, MeSH D030342.

Allele frequency attached by ClinVar (database versions not stated): gnomAD exomes 0.00003; ExAC 0.00014; gnomAD 0.00019; 1000 Genomes Project 0.00020; TOPMed 0.00021; ESP Exome Variant Server 0.00023; 1000 Genomes Project 30x 0.00031.
gnomAD v4.1: 84 of 1,609,120 alleles (0.0052%); highest among the groups gnomAD compares: African/African-American, 0.072%; no homozygotes.

Submissions (3):

Labcorp Genetics (formerly Invitae), Labcorp
Classification: Likely benign. Last evaluated: 2025-09-13. Review status: criteria provided, single submitter. Criteria: Invitae Variant Classification Sherloc (09022015). Collection method: clinical testing. Allele origin: germline.

CeGaT Center for Human Genetics Tuebingen
Classification: Likely benign. Last evaluated: 2023-12-01. Review status: criteria provided, single submitter. Criteria: CeGaT Center For Human Genetics Tuebingen Variant Classification Criteria Version 2. Collection method: clinical testing. Allele origin: germline. Affected: yes. Observed: 1 variant allele.
Comment: PBX1: BP4, BP7

Ambry Genetics
Classification: Likely benign for Inborn genetic diseases. Last evaluated: 2021-06-17. Review status: criteria provided, single submitter. Criteria: Ambry Variant Classification Scheme 2023. Collection method: clinical testing. Allele origin: germline.